The following is an entry in ClinVar:

ClinVar aggregate classification (germline): Pathogenic (1 of 4 stars; one submission).

Conditions:
Inborn genetic diseases. Identifiers: MedGen C0950123, MeSH D030342.

Submission:

Ambry Genetics
Classification: Pathogenic for Inborn genetic diseases. Last evaluated: 2026-01-14. Review status: criteria provided, single submitter. Criteria: Ambry Variant Classification Scheme 2023. Collection method: clinical testing. Allele origin: germline.
Comment: The c.35G>A (p.W12*) alteration, located in exon 2 (coding exon 1) of the CSNK2B gene, consists of a G to A substitution at nucleotide position 35. This changes the amino acid from a tryptophan (W) to a stop codon at amino acid position 12. This alteration is expected to result in loss of function by premature protein truncation or nonsense-mediated mRNA decay. This variant was not reported in population-based cohorts in the Genome Aggregation Database (gnomAD). Based on the available evidence, this alteration is classified as pathogenic.

NM_001320.7(CSNK2B):c.35G>A (p.Trp12Ter)

Gene: CSNK2B (casein kinase 2 beta; plus strand). Cytogenetic location: 6p21.33.
Variant type: single nucleotide variant.
Coding change: c.35G>A on transcript NM_001320.7 (MANE Select); coding-DNA position 35, G replaced by A.
Protein change: p.Trp12Ter; replaces tryptophan 12 with a stop codon.
Molecular consequence: nonsense.
Genome position (GRCh38, 1-based): chr6:31,666,866, G>A. VCF-style: chr6-31666866-G-A. GRCh37 (hg19) VCF-style: chr6-31634643-G-A.
Other names: c.35G>A, p.Trp12Ter (NM_001282385.2); short protein forms W12*.
Identifiers: ClinVar variation 4833034 (VCV004833034.1).